The following is an entry in ClinVar:

ClinVar aggregate classification (germline): Uncertain significance (1 of 4 stars; one submission).

Submission:

GeneDx
Classification: Uncertain significance. Last evaluated: 2022-11-23. Review status: criteria provided, single submitter. Criteria: GeneDx Variant Classification Process June 2021. Collection method: clinical testing. Allele origin: germline. Affected: yes.
Comment: Not observed at significant frequency in large population cohorts (gnomAD); In silico analysis supports that this missense variant has a deleterious effect on protein structure/function; Has not been previously published as pathogenic or benign to our knowledge

NM_007192.4(SUPT16H):c.2065T>G (p.Phe689Val)

Gene: SUPT16H (SPT16 homolog, facilitates chromatin remodeling subunit; minus strand). Cytogenetic location: 14q11.2.
Variant type: single nucleotide variant.
Coding change: c.2065T>G on transcript NM_007192.4 (MANE Select); coding-DNA position 2065, T replaced by G.
Protein change: p.Phe689Val; replaces phenylalanine 689 with valine.
Molecular consequence: missense variant.
Genome position (GRCh38, 1-based): chr14:21,360,525, A>C on the plus strand (T>G on the coding strand, the complement: SUPT16H is on the minus strand). VCF-style: chr14-21360525-A-C. GRCh37 (hg19) VCF-style: chr14-21828684-A-C.
Other names: short protein forms F689V.
Identifiers: ClinVar variation 2503157 (VCV002503157.1), dbSNP rs2503025919, ClinGen allele CA388863219.
Genomic context (GRCh38, chr14:21,360,525, plus strand): 5'-ACAAAGCATGCTTAATATTATTGTACAAAATATCCACTTTGTCTCCTCGAACAGATGTGA[A>C]GCGGAAGCCTGGGGAAAAGAATGAAGAAATGTCAAGCAGTATAATTAAGTTAGGCCAAAA-3'
Protein context (NP_009123.1, residues 679-699): SLEAHVNGFR[Phe689Val]TSVRGDKVDI